The following is an entry in ClinVar:

NM_003718.5(CDK13):c.373C>T (p.Gln125Ter)

Genes: CDK13 (cyclin dependent kinase 13; plus strand), LOC129998292 (ATAC-STARR-seq lymphoblastoid silent region 18115; plus strand). Cytogenetic location: 7p14.1.
Variant type: single nucleotide variant.
Coding change: c.373C>T on transcript NM_003718.5 (MANE Select); coding-DNA position 373, C replaced by T.
Protein change: p.Gln125Ter; replaces glutamine 125 with a stop codon.
Molecular consequence: nonsense.
Genome position (GRCh38, 1-based): chr7:39,951,014, C>T. VCF-style: chr7-39951014-C-T. GRCh37 (hg19) VCF-style: chr7-39990613-C-T.
Other names: c.373C>T, p.Gln125Ter (NM_031267.4); short protein forms Q125*.
Identifiers: ClinVar variation 3252694 (VCV003252694.2), dbSNP rs2116052719.

ClinVar aggregate classification (germline): Uncertain significance (1 of 4 stars; one submission).

Submission:

GeneDx
Classification: Uncertain significance. Last evaluated: 2025-11-07. Review status: criteria provided, single submitter. Criteria: GeneDx Variant Classification Process June 2021. Collection method: clinical testing. Allele origin: germline.
Comment: Nonsense variant predicted to result in protein truncation or nonsense mediated decay in a gene or region of a gene for which loss of function is not a well-established mechanism of disease; Not observed at significant frequency in large population cohorts (gnomAD); Has not been previously published as pathogenic or benign to our knowledge